The following is an entry in ClinVar:

ClinVar aggregate classification (germline): Uncertain significance (1 of 4 stars; one submission).

Submission:

Labcorp Genetics (formerly Invitae), Labcorp
Classification: Uncertain significance. Last evaluated: 2025-10-21. Review status: criteria provided, single submitter. Criteria: Invitae Variant Classification Sherloc (09022015). Collection method: clinical testing. Allele origin: germline.
Comment: This sequence change creates a premature translational stop signal (p.Gln2531*) in the MTOR gene. While this is not anticipated to result in nonsense mediated decay, it is expected to disrupt the last 19 amino acid(s) of the MTOR protein. This variant is not present in population databases (gnomAD no frequency). This variant has not been reported in the literature in individuals affected with MTOR-related conditions. Experimental studies and prediction algorithms are not available or were not evaluated, and the functional significance of this variant is currently unknown. In summary, the available evidence is currently insufficient to determine the role of this variant in disease. Therefore, it has been classified as a Variant of Uncertain Significance.

NM_004958.4(MTOR):c.7591C>T (p.Gln2531Ter)

Gene: MTOR (mechanistic target of rapamycin kinase; minus strand). Cytogenetic location: 1p36.22.
Variant type: single nucleotide variant.
Coding change: c.7591C>T on transcript NM_004958.4 (MANE Select); coding-DNA position 7591, C replaced by T.
Protein change: p.Gln2531Ter; replaces glutamine 2531 with a stop codon.
Molecular consequence: nonsense.
Genome position (GRCh38, 1-based): chr1:11,108,224, G>A on the plus strand (C>T on the coding strand, the complement: MTOR is on the minus strand). VCF-style: chr1-11108224-G-A. GRCh37 (hg19) VCF-style: chr1-11168281-G-A.
Other names: c.7591C>T, p.Gln2531Ter (NM_001386500.1); c.6343C>T, p.Gln2115Ter (NM_001386501.1); short protein forms Q2115*, Q2531*.
Identifiers: ClinVar variation 4773132 (VCV004773132.1).